The following is an entry in ClinVar:

NM_001113378.2(FANCI):c.1656C>A (p.Ser552Arg)

Gene: FANCI (FA complementation group I; plus strand). Cytogenetic location: 15q26.1.
Variant type: single nucleotide variant.
Coding change: c.1656C>A on transcript NM_001113378.2 (MANE Select); coding-DNA position 1656, C replaced by A.
Protein change: p.Ser552Arg; replaces serine 552 with arginine.
Molecular consequence: missense variant.
Genome position (GRCh38, 1-based): chr15:89,283,208, C>A. VCF-style: chr15-89283208-C-A. GRCh37 (hg19) VCF-style: chr15-89826439-C-A.
Other names: c.1377C>A, p.Ser459Arg (NM_001376910.1); c.1656C>A, p.Ser552Arg (NM_001376911.1, NM_018193.3); short protein forms S459R, S552R.
Identifiers: ClinVar variation 2955684 (VCV002955684.3), dbSNP rs1060501901, ClinGen allele CA393745072.

ClinVar aggregate classification (germline): Uncertain significance (1 of 4 stars; one submission).

Conditions:
Fanconi anemia (FA). Also called: Fanconi's anemia. Identifiers: Orphanet 84, MedGen C0015625, MeSH D005199, MONDO:0019391.

Submission:

Labcorp Genetics (formerly Invitae), Labcorp
Classification: Uncertain significance for Fanconi anemia. Last evaluated: 2023-06-25. Review status: criteria provided, single submitter. Criteria: Invitae Variant Classification Sherloc (09022015). Collection method: clinical testing. Allele origin: germline.
Comment: In summary, the available evidence is currently insufficient to determine the role of this variant in disease. Therefore, it has been classified as a Variant of Uncertain Significance. Advanced modeling of protein sequence and biophysical properties (such as structural, functional, and spatial information, amino acid conservation, physicochemical variation, residue mobility, and thermodynamic stability) performed at Invitae indicates that this missense variant is expected to disrupt FANCI protein function. This variant has not been reported in the literature in individuals affected with FANCI-related conditions. This variant is present in population databases (no rsID available, gnomAD 0.0008%). This sequence change replaces serine, which is neutral and polar, with arginine, which is basic and polar, at codon 552 of the FANCI protein (p.Ser552Arg).